The following is an entry in ClinVar:

ClinVar aggregate classification (germline): Uncertain significance (1 of 4 stars; one submission).

Conditions:
Severe combined immunodeficiency due to IKK2 deficiency. Also called: Immunodeficiency 15; IMMUNODEFICIENCY 15B. Identifiers: Orphanet 397787, MedGen C4747743, MONDO:0014267, OMIM 615592.

Allele frequency attached by ClinVar (database versions not stated): gnomAD exomes below 0.00001 and 0.00001; ExAC 0.00001.
gnomAD v4.1: 3 of 1,613,748 alleles (0.00019%); highest among the groups gnomAD compares: Non-Finnish European, 0.00025%; no homozygotes.

Submission:

Labcorp Genetics (formerly Invitae), Labcorp
Classification: Uncertain significance for Severe combined immunodeficiency due to IKK2 deficiency. Last evaluated: 2019-08-01. Review status: criteria provided, single submitter. Criteria: Invitae Variant Classification Sherloc (09022015). Collection method: clinical testing. Allele origin: germline.
Comment: In summary, the available evidence is currently insufficient to determine the role of this variant in disease. Therefore, it has been classified as a Variant of Uncertain Significance. Algorithms developed to predict the effect of missense changes on protein structure and function output the following: SIFT: "Tolerated"; PolyPhen-2: "Benign"; Align-GVGD: "Class C0". The glycine amino acid residue is found in multiple mammalian species, suggesting that this missense change does not adversely affect protein function. These predictions have not been confirmed by published functional studies and their clinical significance is uncertain. This variant has not been reported in the literature in individuals with IKBKB-related conditions. This variant is present in population databases (rs772006031, ExAC 0.001%). This sequence change replaces serine with glycine at codon 600 of the IKBKB protein (p.Ser600Gly). The serine residue is moderately conserved and there is a small physicochemical difference between serine and glycine.

NM_001556.3(IKBKB):c.1798A>G (p.Ser600Gly)

Gene: IKBKB (inhibitor of nuclear factor kappa B kinase subunit beta; plus strand). Cytogenetic location: 8p11.21.
Variant type: single nucleotide variant.
Coding change: c.1798A>G on transcript NM_001556.3 (MANE Select); coding-DNA position 1798, A replaced by G.
Protein change: p.Ser600Gly; replaces serine 600 with glycine.
Molecular consequence: missense variant. On other transcripts: non-coding transcript variant (3).
Genome position (GRCh38, 1-based): chr8:42,322,113, A>G. VCF-style: chr8-42322113-A-G. GRCh37 (hg19) VCF-style: chr8-42179631-A-G.
Other names: c.1606A>G, p.Ser536Gly (NM_001190720.3); c.1621A>G, p.Ser541Gly (NM_001242778.2); short protein forms S600G, S536G, S541G.
Identifiers: ClinVar variation 941166 (VCV000941166.7), dbSNP rs772006031, ClinGen allele CA4732119.